The following is an entry in ClinVar:

ClinVar aggregate classification (germline): Likely benign (1 of 4 stars; one submission).

Allele frequency attached by ClinVar (database versions not stated): 1000 Genomes Project 30x 0.01171; 1000 Genomes Project 0.01178; gnomAD 0.01596 and 0.01608; TOPMed 0.01656.
gnomAD v4.1: 2,419 of 152,110 alleles (1.6%); highest among the groups gnomAD compares: Middle Eastern, 2.4%; 23 homozygotes.

Submission:

GeneDx
Classification: Likely benign. Last evaluated: 2018-06-19. Review status: criteria provided, single submitter. Criteria: GeneDx Variant Classification (06012015). Collection method: clinical testing. Allele origin: germline. Affected: yes.
Comment: This variant is considered likely benign or benign based on one or more of the following criteria: it is a conservative change, it occurs at a poorly conserved position in the protein, it is predicted to be benign by multiple in silico algorithms, and/or has population frequency not consistent with disease.

NM_014141.6(CNTNAP2):c.98-190G>T

Gene: CNTNAP2 (contactin associated protein 2; plus strand). Cytogenetic location: 7q35.
Variant type: single nucleotide variant.
Coding change: c.98-190G>T on transcript NM_014141.6 (MANE Select); 190 bases into the intron before coding-DNA position 98, G replaced by T.
Molecular consequence: intron variant.
Genome position (GRCh38, 1-based): chr7:146,774,081, G>T. VCF-style: chr7-146774081-G-T. GRCh37 (hg19) VCF-style: chr7-146471173-G-T.
Identifiers: ClinVar variation 672498 (VCV000672498.1), dbSNP rs77197724, ClinGen allele CA168644323.